The following is an entry in ClinVar:

ClinVar aggregate classification (germline): Uncertain significance (1 of 4 stars; one submission).

Conditions:
Inborn genetic diseases. Identifiers: MedGen C0950123, MeSH D030342.

gnomAD v4.1: 15 of 1,614,188 alleles (0.00093%); highest among the groups gnomAD compares: African/African-American, 0.0013%; no homozygotes.

Submission:

Ambry Genetics
Classification: Uncertain significance for Inborn genetic diseases. Last evaluated: 2025-02-01. Review status: criteria provided, single submitter. Criteria: Ambry Variant Classification Scheme 2023. Collection method: clinical testing. Allele origin: germline.
Comment: The p.N53S variant (also known as c.158A>G), located in coding exon 2 of the CAV1 gene, results from an A to G substitution at nucleotide position 158. The asparagine at codon 53 is replaced by serine, an amino acid with highly similar properties. This amino acid position is conserved. In addition, this alteration is predicted to be tolerated by in silico analysis. Based on the available evidence, the clinical significance of this variant remains unclear.

NM_001753.5(CAV1):c.158A>G (p.Asn53Ser)

Genes: CAV1 (caveolin 1; plus strand), LOC129999169 (ATAC-STARR-seq lymphoblastoid silent region 18558; plus strand). Cytogenetic location: 7q31.2.
Variant type: single nucleotide variant.
Coding change: c.158A>G on transcript NM_001753.5 (MANE Select); coding-DNA position 158, A replaced by G.
Protein change: p.Asn53Ser; replaces asparagine 53 with serine.
Molecular consequence: missense variant.
Genome position (GRCh38, 1-based): chr7:116,526,652, A>G. VCF-style: chr7-116526652-A-G. GRCh37 (hg19) VCF-style: chr7-116166706-A-G.
Other names: c.65A>G, p.Asn22Ser (NM_001172895.1, NM_001172896.2, NM_001172897.2); short protein forms N53S, N22S.
Identifiers: ClinVar variation 3827734 (VCV003827734.1).